The following is an entry in ClinVar:

ClinVar aggregate classification (germline): Uncertain significance (1 of 4 stars; one submission).

Conditions:
Combined oxidative phosphorylation defect type 14. Also called: Combined oxidative phosphorylation deficiency 14. Identifiers: Orphanet 319519, MedGen C4755312, MONDO:0013986, OMIM 614946.

Submission:

Labcorp Genetics (formerly Invitae), Labcorp
Classification: Uncertain significance for Combined oxidative phosphorylation defect type 14. Last evaluated: 2021-08-04. Review status: criteria provided, single submitter. Criteria: Invitae Variant Classification Sherloc (09022015). Collection method: clinical testing. Allele origin: germline.
Comment: This variant is not present in population databases (ExAC no frequency). This sequence change replaces lysine with asparagine at codon 99 of the FARS2 protein (p.Lys99Asn). The lysine residue is weakly conserved and there is a moderate physicochemical difference between lysine and asparagine. This variant has not been reported in the literature in individuals affected with FARS2-related conditions. In summary, the available evidence is currently insufficient to determine the role of this variant in disease. Therefore, it has been classified as a Variant of Uncertain Significance. Advanced modeling of protein sequence and biophysical properties (such as structural, functional, and spatial information, amino acid conservation, physicochemical variation, residue mobility, and thermodynamic stability) performed at Invitae indicates that this missense variant is not expected to disrupt FARS2 protein function.

NM_006567.5(FARS2):c.297G>T (p.Lys99Asn)

Genes: FARS2 (phenylalanyl-tRNA synthetase 2, mitochondrial; plus strand), LOC126859565 (CDK7 strongly-dependent group 2 enhancer GRCh37_chr6:5368745-5369944; plus strand). Cytogenetic location: 6p25.1.
Variant type: single nucleotide variant.
Coding change: c.297G>T on transcript NM_006567.5 (MANE Select); coding-DNA position 297, G replaced by T.
Protein change: p.Lys99Asn; replaces lysine 99 with asparagine.
Molecular consequence: missense variant. On other transcripts: intron variant (2).
Genome position (GRCh38, 1-based): chr6:5,368,867, G>T. VCF-style: chr6-5368867-G-T. GRCh37 (hg19) VCF-style: chr6-5369100-G-T.
Other names: c.297G>T, p.Lys99Asn (NM_001318872.2, NM_001374875.1, NM_001374876.1 and 5 more transcripts); c.-340-27766G>T (NM_001375260.1); c.-84-35675G>T (NM_001375259.1); short protein forms K99N.
Identifiers: ClinVar variation 1500677 (VCV001500677.6), dbSNP rs2127643451, ClinGen allele CA362734983.
Genomic context (GRCh38, chr6:5,368,867, plus strand): 5'-CAACCAGCAGCATCACCCTCTGTGGCTGATCAAGGAGAGGGTGAAGGAGCACTTCTACAA[G>T]CAGTATGTGGGCCGCTTTGGGACCCCGTTGTTCTCGGTCTACGACAACCTTTCTCCAGTG-3'
Protein context (NP_006558.1, residues 89-109): IKERVKEHFY[Lys99Asn]QYVGRFGTPL